The following is an entry in ClinVar:

NM_173477.5(USH1G):c.1361C>G (p.Pro454Arg)

Gene: USH1G (USH1 protein network component sans; minus strand). Cytogenetic location: 17q25.1.
Variant type: single nucleotide variant.
Coding change: c.1361C>G on transcript NM_173477.5 (MANE Select); coding-DNA position 1361, C replaced by G.
Protein change: p.Pro454Arg; replaces proline 454 with arginine.
Molecular consequence: missense variant.
Genome position (GRCh38, 1-based): chr17:74,919,475, G>C on the plus strand (C>G on the coding strand, the complement: USH1G is on the minus strand). VCF-style: chr17-74919475-G-C. GRCh37 (hg19) VCF-style: chr17-72915570-G-C.
Other names: c.1052C>G, p.Pro351Arg (NM_001282489.3); c.1361C>G (NM_173477.2); short protein forms P454R, P351R.
Identifiers: ClinVar variation 281625 (VCV000281625.10), dbSNP rs747285177, ClinGen allele CA10603929.

ClinVar aggregate classification (germline): Uncertain significance. Review status: criteria provided, multiple submitters, no conflicts (2 of 4 stars). 4 submissions from 4 submitters: Uncertain significance (4). Last evaluated 2025-04-14.

Conditions:
Inborn genetic diseases. Identifiers: MedGen C0950123, MeSH D030342.

Allele frequency attached by ClinVar (database versions not stated): TOPMed 0.00002; gnomAD 0.00003.
gnomAD v4.1: 9 of 1,607,714 alleles (0.00056%); highest among the groups gnomAD compares: African/African-American, 0.0094%; no homozygotes.

Submissions (4):

Ambry Genetics
Classification: Uncertain significance for Inborn genetic diseases. Last evaluated: 2025-04-14. Review status: criteria provided, single submitter. Criteria: Ambry Variant Classification Scheme 2023. Collection method: clinical testing. Allele origin: germline.

Blueprint Genetics
Classification: Uncertain significance. Last evaluated: 2022-11-04. Review status: criteria provided, single submitter. Criteria: ACMG Guidelines, 2015. Collection method: clinical testing. Allele origin: germline.

Labcorp Genetics (formerly Invitae), Labcorp
Classification: Uncertain significance. Last evaluated: 2022-07-19. Review status: criteria provided, single submitter. Criteria: Invitae Variant Classification Sherloc (09022015). Collection method: clinical testing. Allele origin: germline.
Comment: This sequence change replaces proline, which is neutral and non-polar, with arginine, which is basic and polar, at codon 454 of the USH1G protein (p.Pro454Arg). This variant is present in population databases (no rsID available, gnomAD 0.01%). This variant has not been reported in the literature in individuals affected with USH1G-related conditions. ClinVar contains an entry for this variant (Variation ID: 281625). Algorithms developed to predict the effect of missense changes on protein structure and function are either unavailable or do not agree on the potential impact of this missense change (SIFT: "Not Available"; PolyPhen-2: "Benign"; Align-GVGD: "Not Available"). In summary, the available evidence is currently insufficient to determine the role of this variant in disease. Therefore, it has been classified as a Variant of Uncertain Significance.

Eurofins Ntd Llc (ga)
Classification: Uncertain significance. Last evaluated: 2015-07-09. Review status: criteria provided, single submitter. Criteria: EGL Classification Definitions 2015. Collection method: clinical testing. Allele origin: germline. Observed: 1 variant allele, 1 heterozygote.